The following is an entry in ClinVar:

ClinVar aggregate classification (germline): Likely benign. Review status: criteria provided, multiple submitters, no conflicts (2 of 4 stars). 2 submissions from 2 submitters: Likely benign (2). Last evaluated 2026-01-28.

Conditions:
Neuronal ceroid lipofuscinosis. Also called: Neuronal Ceroid Lipofuscinoses. Identifiers: Orphanet 216, Orphanet 79263, MedGen C0027877, MONDO:0016295. Disease mechanism: loss of function.

Allele frequency attached by ClinVar (database versions not stated): TOPMed 0.00001; ExAC 0.00002; gnomAD exomes 0.00002.
gnomAD v4.1: 10 of 1,612,926 alleles (0.00062%); highest among the groups gnomAD compares: Admixed American, 0.017%; no homozygotes.

Submissions (2):

Labcorp Genetics (formerly Invitae), Labcorp
Classification: Likely benign for Neuronal ceroid lipofuscinosis. Last evaluated: 2026-01-28. Review status: criteria provided, single submitter. Criteria: Invitae Variant Classification Sherloc (09022015). Collection method: clinical testing. Allele origin: germline.

Mayo Clinic Laboratories, Mayo Clinic
Classification: Likely benign. Last evaluated: 2025-03-17. Review status: criteria provided, single submitter. Criteria: ACMG Guidelines, 2015. Collection method: clinical testing. Allele origin: germline. Observed: 1 variant allele.
Comment: BP4, BP7

NM_001909.5(CTSD):c.1101G>A (p.Leu367=)

Gene: CTSD (cathepsin D; minus strand). Cytogenetic location: 11p15.5.
Variant type: single nucleotide variant.
Coding change: c.1101G>A on transcript NM_001909.5 (MANE Select); coding-DNA position 1101, G replaced by A.
Protein change: p.Leu367=; no amino-acid change (leucine 367 retained).
Molecular consequence: synonymous variant.
Genome position (GRCh38, 1-based): chr11:1,753,641, C>T on the plus strand (G>A on the coding strand, the complement: CTSD is on the minus strand). VCF-style: chr11-1753641-C-T. GRCh37 (hg19) VCF-style: chr11-1774871-C-T.
Other names: p.Leu367=.
Identifiers: ClinVar variation 719191 (VCV000719191.11), dbSNP rs777289049, ClinGen allele CA5813894.
Genomic context (GRCh38, chr11:1,753,641, plus strand): 5'-GTCGCCCAGGATCCAGAGTGGCCCGCTGGGTGGCGGGATGTCCATGCCCATGAAGCCGCT[C>T]AGGCAGAGGGTCTTCCCGGCCTGCGACACCTGGGACGGCCCTGGTGGTCAGTACCCAGGC-3'
Protein context (NP_001900.1, residues 357-377): KVSQAGKTLC[Leu367=]SGFMGMDIPP